The following is an entry in ClinVar:

ClinVar aggregate classification (germline): Likely benign (1 of 4 stars; one submission).

gnomAD v4.1: 747 of 1,611,134 alleles (0.046%); highest among the groups gnomAD compares: African/African-American, 0.85%; 2 homozygotes.

Submission:

CeGaT Center for Human Genetics Tuebingen
Classification: Likely benign. Last evaluated: 2026-03-01. Review status: criteria provided, single submitter. Criteria: CeGaT Center For Human Genetics Tuebingen Variant Classification Criteria Version 2. Collection method: clinical testing. Allele origin: germline. Affected: yes. Observed: 1 variant allele.
Comment: KCNC2: BP4, BP7

NM_139137.4(KCNC2):c.327C>A (p.Gly109=)

Gene: KCNC2 (potassium voltage-gated channel subfamily C member 2; minus strand). Cytogenetic location: 12q21.1.
Variant type: single nucleotide variant.
Coding change: c.327C>A on transcript NM_139137.4 (MANE Select); coding-DNA position 327, C replaced by A.
Protein change: p.Gly109=; no amino-acid change (glycine 109 retained).
Molecular consequence: synonymous variant. On other transcripts: non-coding transcript variant (2).
Genome position (GRCh38, 1-based): chr12:75,207,657, G>T on the plus strand (C>A on the coding strand, the complement: KCNC2 is on the minus strand). VCF-style: chr12-75207657-G-T. GRCh37 (hg19) VCF-style: chr12-75601437-G-T.
Other names: c.327C>A, p.Gly109= (NM_001260497.2, NM_001260498.2, NM_001260499.2 and 13 more transcripts).
Identifiers: ClinVar variation 4820873 (VCV004820873.4).